The following is an entry in ClinVar:

ClinVar aggregate classification (germline): Uncertain significance (0 of 4 stars; one submission).

Conditions:
Charcot-Marie-Tooth disease. Also called: Charcot-Marie-Tooth Hereditary Neuropathy; Charcot-Marie-Tooth Neuropathy. Identifiers: Orphanet 166, MedGen C0007959, MONDO:0015626.

Submission:

Dept. of Medical Genetics, Telemark Hospital Trust, Telemark Hospital Trust
Classification: Uncertain significance for Charcot-Marie-Tooth disease. Last evaluated: 2013-11-01. Review status: no assertion criteria provided. Collection method: research. Allele origin: inherited. Affected: yes. Study: Charcot-Marie-Tooth disease study.
Comment: Populational based study of Charcot-Marie-Tooth disease in Norway

Literature cited by the submitters: PubMed 25025039; PMC 4306395.

NM_016156.6(MTMR2):c.*53G>A

Gene: MTMR2 (myotubularin related protein 2; minus strand). Cytogenetic location: 11q21.
Variant type: single nucleotide variant.
Coding change: c.*53G>A on transcript NM_016156.6 (MANE Select); 53 bases downstream of the stop codon, G replaced by A.
Molecular consequence: 3 prime UTR variant.
Genome position (GRCh38, 1-based): chr11:95,835,237, C>T on the plus strand (G>A on the coding strand, the complement: MTMR2 is on the minus strand). VCF-style: chr11-95835237-C-T. GRCh37 (hg19) VCF-style: chr11-95568401-C-T.
Other names: c.*53G>A (NM_001243571.2, NM_201278.3, NM_201281.3).
Identifiers: ClinVar variation 157539 (VCV000157539.2), dbSNP rs587779387, ClinGen allele CA270964.
Genomic context (GRCh38, chr11:95,835,237, plus strand): 5'-AGTGACTGAACTTTCTCTCATAGATGGGTTCTAAATTCCGAAGACTTTCTACTCATAGAG[C>T]TGCCAGTGTAATCAAGAGTGTATAGCAATGATGCCCCTGATCTTACAGTCCTTTATACAA-3'